The following is an entry in ClinVar:

ClinVar aggregate classification (germline): Uncertain significance (1 of 4 stars; one submission).

Conditions:
Inborn genetic diseases. Identifiers: MedGen C0950123, MeSH D030342.

gnomAD v4.1: 9 of 1,613,610 alleles (0.00056%); highest among the groups gnomAD compares: South Asian, 0.0033%; no homozygotes.

Submission:

Ambry Genetics
Classification: Uncertain significance for Inborn genetic diseases. Last evaluated: 2025-02-19. Review status: criteria provided, single submitter. Criteria: Ambry Variant Classification Scheme 2023. Collection method: clinical testing. Allele origin: germline.
Comment: Unlikely to be causative of DNM1-related developmental and epileptic encephalopathy (AD) Based on insufficient or conflicting evidence, the clinical significance of this alteration remains unclear.

NM_004408.4(DNM1):c.1918G>A (p.Glu640Lys)

Gene: DNM1 (dynamin 1; plus strand). Cytogenetic location: 9q34.11.
Variant type: single nucleotide variant.
Coding change: c.1918G>A on transcript NM_004408.4 (MANE Select); coding-DNA position 1918, G replaced by A.
Protein change: p.Glu640Lys; replaces glutamic acid 640 with lysine.
Molecular consequence: missense variant.
Genome position (GRCh38, 1-based): chr9:128,248,595, G>A. VCF-style: chr9-128248595-G-A. GRCh37 (hg19) VCF-style: chr9-131010874-G-A.
Other names: c.1918G>A, p.Glu640Lys (NM_001005336.3, NM_001288737.2, NM_001288738.2 and 2 more transcripts); short protein forms E640K.
Identifiers: ClinVar variation 3841693 (VCV003841693.1).